The following is an entry in ClinVar:

NM_001267550.2(TTN):c.42545A>C (p.His14182Pro)

Gene: TTN (titin; minus strand). Cytogenetic location: 2q31.2.
Variant type: single nucleotide variant.
Coding change: c.42545A>C on transcript NM_001267550.2 (MANE Select); coding-DNA position 42545, A replaced by C.
Protein change: p.His14182Pro; replaces histidine 14182 with proline.
Molecular consequence: missense variant.
Genome position (GRCh38, 1-based): chr2:178,633,954, T>G on the plus strand (A>C on the coding strand, the complement: TTN is on the minus strand). VCF-style: chr2-178633954-T-G. GRCh37 (hg19) VCF-style: chr2-179498681-T-G.
Other names: p.H12541P:CAT>CCT; c.37622A>C, p.His12541Pro (NM_001256850.1); c.15350A>C, p.His5117Pro (NM_003319.4); c.34841A>C, p.His11614Pro (NM_133378.4); c.15725A>C, p.His5242Pro (NM_133432.3); c.15926A>C, p.His5309Pro (NM_133437.4); short protein forms H12541P, H14182P, H5242P, H5309P, H11614P, H5117P.
Identifiers: ClinVar variation 202626 (VCV000202626.4), dbSNP rs794729428, ClinGen allele CA309796.

ClinVar aggregate classification (germline): Uncertain significance. Review status: criteria provided, multiple submitters, no conflicts (2 of 4 stars). 3 submissions from 3 submitters: Uncertain significance (3). Last evaluated 2024-10-25.

Allele frequency attached by ClinVar (database versions not stated): gnomAD exomes below 0.00001.

Submissions (3):

Revvity Omics, Revvity
Classification: Uncertain significance. Last evaluated: 2024-10-25. Review status: criteria provided, single submitter. Criteria: ACMG Guidelines, 2015. Collection method: clinical testing. Allele origin: germline.

Blueprint Genetics
Classification: Uncertain significance. Last evaluated: 2021-08-18. Review status: criteria provided, single submitter. Criteria: ACMG Guidelines, 2015. Collection method: clinical testing. Allele origin: germline.

GeneDx
Classification: Uncertain significance. Last evaluated: 2014-10-06. Review status: criteria provided, single submitter. Criteria: GeneDx Variant Classification (06012015). Collection method: clinical testing. Allele origin: germline. Affected: yes.
Comment: Missense variants in the TTN gene are considered 'unclassified' if they are not previously reported in the literature and do not have >1% frequency in the population to be considered a polymorphism. Research indicates that truncating mutations in the TTN gene are expected to account for approximately 25% of familial and 18% of sporadic idiopathic DCM; however, truncating variants in the TTN gene have been reported in approximately 3% of reported control alleles. There has been little investigation into non-truncating variants. (Herman D et al. Truncations of titin causing dilated cardiomyopathy. N Eng J Med 366:619-628, 2012) The variant is found in DCM-CRDM panel(s).